The following is an entry in ClinVar:

ClinVar aggregate classification (germline): Pathogenic (1 of 4 stars; one submission).

Conditions:
Ehlers-Danlos syndrome, classic type, 1 (EDSCL1). Also called: EHLERS-DANLOS SYNDROME, GRAVIS TYPE; EHLERS-DANLOS SYNDROME, SEVERE CLASSIC TYPE; Ehlers-Danlos syndrome, type 1; Ehlers-Danlos Syndrome, Classic Type, COL5A1-Related; EDS I. Identifiers: MedGen C0268335, MONDO:0019567, OMIM 130000.

Submission:

Labcorp Genetics (formerly Invitae), Labcorp
Classification: Pathogenic for Ehlers-Danlos syndrome, classic type, 1. Last evaluated: 2023-09-14. Review status: criteria provided, single submitter. Criteria: Invitae Variant Classification Sherloc (09022015). Collection method: clinical testing. Allele origin: germline.
Comment: This sequence change creates a premature translational stop signal (p.Lys1473Leufs*10) in the COL5A1 gene. It is expected to result in an absent or disrupted protein product. Loss-of-function variants in COL5A1 are known to be pathogenic (PMID: 23587214). This variant is not present in population databases (gnomAD no frequency). This variant has not been reported in the literature in individuals affected with COL5A1-related conditions. For these reasons, this variant has been classified as Pathogenic.

Literature cited by the submitters: PubMed 23587214.

NM_000093.5(COL5A1):c.4415_4416insTTTG (p.Lys1473fs)

Gene: COL5A1 (collagen type V alpha 1 chain; plus strand). Cytogenetic location: 9q34.3.
Variant type: Insertion.
Coding change: c.4415_4416insTTTG on transcript NM_000093.5 (MANE Select); coding-DNA positions 4415 to 4416, TTTG inserted.
Protein change: p.Lys1473fs; shifts the reading frame from lysine 1473.
Molecular consequence: frameshift variant.
Genome position: GRCh38 VCF-style: chr9-134819022-T-TTTTG. GRCh37 (hg19) VCF-style: chr9-137710868-T-TTTTG.
Other names: c.4415_4416insTTTG, p.Lys1473fs (NM_001278074.1); short protein forms K1473fs.
Identifiers: ClinVar variation 2760689 (VCV002760689.3), dbSNP rs2490851840, ClinGen allele CA2697558218.